The following is an entry in ClinVar:

ClinVar aggregate classification (germline): Pathogenic (1 of 4 stars; one submission).

Submission:

Ambry Genetics
Classification: Pathogenic. Last evaluated: 2026-05-29. Review status: criteria provided, single submitter. Criteria: Ambry Variant Classification Scheme 2023. Collection method: clinical testing. Allele origin: germline.
Comment: The c.440_445delCAGTGTins10 pathogenic mutation, located in coding exon 1 of the MLH3 gene, results from the deletion of 6 nucleotides and insertion of 10 nucleotides (AATAGGTAAA) causing a translational frameshift with a predicted alternate stop codon (p.T147Kfs*2). This variant is considered to be rare based on population cohorts in the Genome Aggregation Database (gnomAD). This alteration is expected to result in loss of function by premature protein truncation or nonsense-mediated mRNA decay. As such, this alteration is interpreted as a disease-causing mutation.

NM_001040108.2(MLH3):c.440_445delinsAATAGGTAAA (p.Thr147_Tyr149delinsLysTer)

Gene: MLH3 (mutL homolog 3; minus strand). Cytogenetic location: 14q24.3.
Variant type: Indel.
Coding change: c.440_445delinsAATAGGTAAA on transcript NM_001040108.2 (MANE Select); coding-DNA positions 440 to 445, CAGTGT replaced by AATAGGTAAA.
Protein change: p.Thr147_Tyr149delinsLysTer.
Molecular consequence: nonsense.
Genome position (GRCh38, 1-based): chr14:75,049,211-75,049,216, ACACTG replaced by TTTACCTATT on the plus strand (CAGTGT replaced by AATAGGTAAA on the coding strand, the reverse complement: MLH3 is on the minus strand). VCF-style: chr14-75049211-ACACTG-TTTACCTATT. GRCh37 (hg19) VCF-style: chr14-75515914-ACACTG-TTTACCTATT.
Other names: c.440_445delinsAATAGGTAAA, p.Thr147_Tyr149delinsLysTer (NM_014381.3).
Identifiers: ClinVar variation 1740333 (VCV001740333.3), dbSNP rs2503327818, ClinGen allele CA2580088934.